The following is an entry in ClinVar:

ClinVar aggregate classification (germline): Conflicting classifications of pathogenicity. Review status: criteria provided, conflicting classifications (1 of 4 stars). 10 submissions from 10 submitters: Uncertain significance (5); Likely benign (2). 3 of the submissions do not count toward it. Last evaluated 2026-01-30.

Conditions:
Retinal dystrophy. Also called: Inherited retinal dystrophy. Identifiers: Orphanet 71862, MedGen C0854723, MeSH D058499, MONDO:0019118, HP:0000556.
Inborn genetic diseases. Identifiers: MedGen C0950123, MeSH D030342.
Jeune thoracic dystrophy. Also called: Jeune syndrome; Infantile thoracic dystrophy; Thoracic pelvic phalangeal dystrophy; Jeune's syndrome; Chondroectodermal dysplasia-like syndrome; Short-rib thoracic dysplasia. Identifiers: Orphanet 474, MedGen C0265275, MONDO:0018770.
Asphyxiating thoracic dystrophy 3. Also called: SHORT-RIB THORACIC DYSPLASIA 3 WITH OR WITHOUT POLYDACTYLY; POLYDACTYLY WITH NEONATAL CHONDRODYSTROPHY, TYPE I; SHORT-RIB THORACIC DYSPLASIA 3/6 WITH POLYDACTYLY, DIGENIC; Short rib polydactyly syndrome 2B; Saldino-Noonan Syndrome. Identifiers: Orphanet 474, Orphanet 93269, Orphanet 93270, Orphanet 93271, MedGen C0036069, MONDO:0013127, OMIM 613091.

Allele frequency attached by ClinVar (database versions not stated): gnomAD exomes 0.00048 and 0.00031; ESP Exome Variant Server 0.00051; 1000 Genomes Project 30x 0.00016; 1000 Genomes Project 0.00020; ExAC 0.00030; gnomAD 0.00031 and 0.00034; TOPMed 0.00033.
gnomAD v4.1: 733 of 1,612,326 alleles (0.045%); highest among the groups gnomAD compares: Non-Finnish European, 0.059%; no homozygotes.

Submissions (10):

Labcorp Genetics (formerly Invitae), Labcorp
Classification: Likely benign for Jeune thoracic dystrophy. Last evaluated: 2026-01-30. Review status: criteria provided, single submitter. Criteria: Invitae Variant Classification Sherloc (09022015). Collection method: clinical testing. Allele origin: germline.

Blueprint Genetics
Classification: Likely benign. Last evaluated: 2024-11-21. Review status: criteria provided, single submitter. Criteria: ACMG Guidelines, 2015. Collection method: clinical testing. Allele origin: germline.

Ambry Genetics
Classification: Uncertain significance for Inborn genetic diseases. Last evaluated: 2024-06-18. Review status: criteria provided, single submitter. Criteria: Ambry Variant Classification Scheme 2023. Collection method: clinical testing. Allele origin: germline.

Fulgent Genetics
Classification: Uncertain significance for Asphyxiating thoracic dystrophy 3. Last evaluated: 2021-07-16. Review status: criteria provided, single submitter. Criteria: ACMG Guidelines, 2015. Collection method: clinical testing. Allele origin: unknown.

Greenwood Genetic Center Diagnostic Laboratories, Greenwood Genetic Center
Classification: Uncertain significance. Last evaluated: 2021-02-17. Review status: criteria provided, single submitter. Criteria: ACMG Guidelines, 2015. Collection method: clinical testing. Allele origin: germline. Affected: yes.
Comment: PM2

Department of Pathology and Laboratory Medicine, Sinai Health System
Classification: Uncertain significance for asphyxiating thoracic dystrophy 3. Last evaluated: 2020-06-24. Review status: criteria provided, single submitter. Criteria: ACMG Guidelines, 2015. Collection method: research. Allele origin: germline.

Illumina Laboratory Services, Illumina
Classification: Uncertain significance for Asphyxiating thoracic dystrophy 3. Last evaluated: 2018-01-13. Review status: criteria provided, single submitter. Criteria: ICSL Variant Classification Criteria 13 December 2019. Collection method: clinical testing. Allele origin: germline.

Institute of Human Genetics, Univ. Regensburg, Univ. Regensburg
Classification: Uncertain significance for Retinal dystrophy. Last evaluated: 2023-01-01. Review status: no assertion criteria provided. Criteria: ACMG Guidelines, 2015. Collection method: clinical testing. Allele origin: germline. Affected: yes. Not counted in ClinVar's aggregate classification.

Clinical Genetics DNA and cytogenetics Diagnostics Lab, Erasmus MC, Erasmus Medical Center
Classification: Uncertain significance. Review status: no assertion criteria provided. Collection method: clinical testing. Allele origin: germline. Affected: yes. Study: VKGL Data-share Consensus. Not counted in ClinVar's aggregate classification.

Laboratory of Diagnostic Genome Analysis, Leiden University Medical Center (LUMC)
Classification: Uncertain significance. Review status: no assertion criteria provided. Collection method: clinical testing. Allele origin: germline. Affected: yes. Study: VKGL Data-share Consensus. Not counted in ClinVar's aggregate classification.

NM_001377.3(DYNC2H1):c.3665G>A (p.Gly1222Glu)

Gene: DYNC2H1 (dynein cytoplasmic 2 heavy chain 1; plus strand). Cytogenetic location: 11q22.3.
Variant type: single nucleotide variant.
Coding change: c.3665G>A on transcript NM_001377.3 (MANE Select); coding-DNA position 3665, G replaced by A.
Protein change: p.Gly1222Glu; replaces glycine 1222 with glutamic acid.
Molecular consequence: missense variant.
Genome position (GRCh38, 1-based): chr11:103,155,422, G>A. VCF-style: chr11-103155422-G-A. GRCh37 (hg19) VCF-style: chr11-103026151-G-A.
Other names: c.3665G>A, p.Gly1222Glu (NM_001080463.2); short protein forms G1222E.
Identifiers: ClinVar variation 220459 (VCV000220459.20), dbSNP rs201194631, ClinGen allele CA349219.